The following is an entry in ClinVar:

ClinVar aggregate classification (germline): Likely benign. Review status: criteria provided, multiple submitters, no conflicts (2 of 4 stars). 3 submissions from 3 submitters: Likely benign (2). 1 of the submissions does not count toward it. Last evaluated 2025-08-31.

Conditions:
LRP5-related disorder. Also called: LRP5-related condition.

Allele frequency attached by ClinVar (database versions not stated): ESP Exome Variant Server 0.00008; 1000 Genomes Project 0.00020; 1000 Genomes Project 30x 0.00031.
gnomAD v4.1: 57 of 1,614,058 alleles (0.0035%); highest among the groups gnomAD compares: African/African-American, 0.068%; no homozygotes.

Submissions (3):

Labcorp Genetics (formerly Invitae), Labcorp
Classification: Likely benign. Last evaluated: 2025-08-31. Review status: criteria provided, single submitter. Criteria: Invitae Variant Classification Sherloc (09022015). Collection method: clinical testing. Allele origin: germline.

Blueprint Genetics
Classification: Likely benign. Last evaluated: 2023-06-22. Review status: criteria provided, single submitter. Criteria: ACMG Guidelines, 2015. Collection method: clinical testing. Allele origin: germline.

PreventionGenetics, part of Exact Sciences
Classification: Likely benign for LRP5-related condition. Last evaluated: 2019-06-18. Review status: no assertion criteria provided. Collection method: clinical testing. Allele origin: germline. Not counted in ClinVar's aggregate classification.
Comment: This variant is classified as likely benign based on ACMG/AMP sequence variant interpretation guidelines (Richards et al. 2015 PMID: 25741868, with internal and published modifications).

NM_002335.4(LRP5):c.1212G>A (p.Gly404=)

Gene: LRP5 (LDL receptor related protein 5; plus strand). Cytogenetic location: 11q13.2.
Variant type: single nucleotide variant.
Coding change: c.1212G>A on transcript NM_002335.4 (MANE Select); coding-DNA position 1212, G replaced by A.
Protein change: p.Gly404=; no amino-acid change (glycine 404 retained).
Molecular consequence: synonymous variant. On other transcripts: 5 prime UTR variant (1).
Genome position (GRCh38, 1-based): chr11:68,386,512, G>A. VCF-style: chr11-68386512-G-A. GRCh37 (hg19) VCF-style: chr11-68153980-G-A.
Other names: c.-554G>A (NM_001291902.2); c.1212G>A (NM_002335.3).
Identifiers: ClinVar variation 1119094 (VCV001119094.12), dbSNP rs377403217, ClinGen allele CA6149273.
Genomic context (GRCh38, chr11:68,386,512, plus strand): 5'-GGGCTATGTCTACTGGACAGATGACGAGGTGCGGGCCATCCGCAGGGCGTACCTGGACGG[G>A]TCTGGGGCGCAGACGCTGGTCAACACCGAGATCAACGACCCCGATGGCATCGCGGTCGAC-3'
Protein context (NP_002326.2, residues 394-414): VRAIRRAYLD[Gly404=]SGAQTLVNTE